The following is an entry in ClinVar:

NM_001042492.3(NF1):c.1124T>A (p.Leu375Gln)

Gene: NF1 (neurofibromin 1; plus strand). Cytogenetic location: 17q11.2.
Variant type: single nucleotide variant.
Coding change: c.1124T>A on transcript NM_001042492.3 (MANE Select); coding-DNA position 1124, T replaced by A.
Protein change: p.Leu375Gln; replaces leucine 375 with glutamine.
Molecular consequence: missense variant.
Genome position (GRCh38, 1-based): chr17:31,201,098, T>A. VCF-style: chr17-31201098-T-A. GRCh37 (hg19) VCF-style: chr17-29528116-T-A.
Other names: c.1124T>A, p.Leu375Gln (NM_000267.4, NM_001128147.3); short protein forms L375Q.
Identifiers: ClinVar variation 3634494 (VCV003634494.2).
Genomic context (GRCh38, chr17:31,201,098, plus strand): 5'-ACCTGCTTTTTAATCCAAGTAAGCCATTCTCAAGAGGCAGTCAGCCTGCAGATGTGGATC[T>A]AATGATTGACTGCCTTGTTTCTTGCTTTCGTATAAGCCCTCACAACAACCAACACTTTAA-3'
Protein context (NP_001035957.1, residues 365-385): SRGSQPADVD[Leu375Gln]MIDCLVSCFR

ClinVar aggregate classification (germline): Uncertain significance (1 of 4 stars; one submission).

Conditions:
Neurofibromatosis, type 1 (NF1). Also called: VON RECKLINGHAUSEN DISEASE; Peripheral type neurofibromatosis; NEUROFIBROMATOSIS, TYPE I, SOMATIC; Neurofibromatosis, type I. Identifiers: Orphanet 636, MedGen C0027831, MONDO:0018975, OMIM 162200. Disease mechanism: loss of function.

Submission:

Labcorp Genetics (formerly Invitae), Labcorp
Classification: Uncertain significance for Neurofibromatosis, type 1. Last evaluated: 2024-04-29. Review status: criteria provided, single submitter. Criteria: Invitae Variant Classification Sherloc (09022015). Collection method: clinical testing. Allele origin: germline.
Comment: This sequence change replaces leucine, which is neutral and non-polar, with glutamine, which is neutral and polar, at codon 375 of the NF1 protein (p.Leu375Gln). This variant is not present in population databases (gnomAD no frequency). This variant has not been reported in the literature in individuals affected with NF1-related conditions. Advanced modeling of protein sequence and biophysical properties (such as structural, functional, and spatial information, amino acid conservation, physicochemical variation, residue mobility, and thermodynamic stability) performed at Invitae indicates that this missense variant is expected to disrupt NF1 protein function with a positive predictive value of 95%. In summary, the available evidence is currently insufficient to determine the role of this variant in disease. Therefore, it has been classified as a Variant of Uncertain Significance.